The following is an entry in ClinVar:

ClinVar aggregate classification (germline): Pathogenic (1 of 4 stars; one submission).

Conditions:
Jeune thoracic dystrophy. Also called: Jeune syndrome; Infantile thoracic dystrophy; Thoracic pelvic phalangeal dystrophy; Jeune's syndrome; Chondroectodermal dysplasia-like syndrome; Short-rib thoracic dysplasia. Identifiers: Orphanet 474, MedGen C0265275, MONDO:0018770.

Submission:

Labcorp Genetics (formerly Invitae), Labcorp
Classification: Pathogenic for Jeune thoracic dystrophy. Last evaluated: 2023-01-28. Review status: criteria provided, single submitter. Criteria: Invitae Variant Classification Sherloc (09022015). Collection method: clinical testing. Allele origin: germline.
Comment: This sequence change creates a premature translational stop signal (p.Arg2970Lysfs*3) in the DYNC2H1 gene. It is expected to result in an absent or disrupted protein product. Loss-of-function variants in DYNC2H1 are known to be pathogenic (PMID: 23339108, 32753734). This variant is not present in population databases (gnomAD no frequency). This variant has not been reported in the literature in individuals affected with DYNC2H1-related conditions. For these reasons, this variant has been classified as Pathogenic.

Literature cited by the submitters: PubMed 23339108; PubMed 32753734.

NM_001377.3(DYNC2H1):c.8909_8910del (p.Arg2970fs)

Gene: DYNC2H1 (dynein cytoplasmic 2 heavy chain 1; plus strand). Cytogenetic location: 11q22.3.
Variant type: Deletion.
Coding change: c.8909_8910del on transcript NM_001377.3 (MANE Select); coding-DNA positions 8909 to 8910, 2 bases deleted (GA; older notation c.8909_8910delGA).
Protein change: p.Arg2970fs; shifts the reading frame from arginine 2970.
Molecular consequence: frameshift variant.
Genome position (GRCh38, 1-based): chr11:103,219,991-103,219,992, GA deleted; deleting any 2 consecutive bases within chr11:103,219,990-103,219,992 gives the same sequence; the c. name uses the placement nearest the transcript's 3' end. VCF-style (leftmost placement, unchanged base first): chr11-103219989-AAG-A. GRCh37 (hg19) VCF-style: chr11-103090718-AAG-A.
Other names: c.8909_8910del, p.Arg2970fs (NM_001080463.2); short protein forms R2970fs.
Identifiers: ClinVar variation 2832499 (VCV002832499.3), dbSNP rs2496449422, ClinGen allele CA2739270855.